The following is an entry in ClinVar:

NC_000001.10:g.(235606227_235611663)_(235615757_?)dup

Genes: B3GALNT2 (beta-1,3-N-acetylgalactosaminyltransferase 2; minus strand), TBCE (tubulin folding cofactor E; plus strand). Cytogenetic location: 1q42.3.
Variant type: Duplication.
Identifiers: ClinVar variation 4536782 (VCV004536782.1).

ClinVar aggregate classification (germline): Benign (1 of 4 stars; one submission).

Submission:

Women's Health and Genetics/Laboratory Corporation of America, LabCorp
Classification: Benign. Last evaluated: 2025-11-12. Review status: criteria provided, single submitter. Criteria: LabCorp Variant Classification Summary - May 2015. Collection method: clinical testing. Allele origin: germline.
Comment: Variant summary: The variant involves the duplication of exons 16-17 in the TBCE gene. A presumed nomenclature of c.(1399+1_1400-1)_(*3680_?)dup has been designated for the purposes of this classification. The exact breakpoint at the 3' end of this variant is unknown, therefore this duplication may extend downstream of the annotated region of the gene. As it duplicates the termination codon, its effect on the encoded protein is unknown. The variant allele was found at a frequency of 0.0027 in 125084 control chromosomes in the gnomAD database (Structural Variants v4.1 dataset), including 8 homozygotes. The observed variant frequency exceeds the estimated maximal expected allele frequency for disease-causing variants in TBCE. To our knowledge, no occurrence of c.(1399+1_1400-1)_(*3680_?)dup in individuals affected with TBCE-related conditions and no experimental evidence demonstrating its impact on protein function have been reported. ClinVar contains an entry for this variant (Variation ID: 2424654). Based on the evidence outlined above, the variant was classified as benign.